The following is an entry in ClinVar:

ClinVar aggregate classification (germline): Uncertain significance (1 of 4 stars; one submission).

Allele frequency attached by ClinVar (database versions not stated): TOPMed below 0.00001; ExAC 0.00001; gnomAD exomes 0.00002.
gnomAD v4.1: 23 of 1,614,182 alleles (0.0014%); highest among the groups gnomAD compares: Non-Finnish European, 0.0019%; no homozygotes.

Submission:

Ambry Genetics
Classification: Uncertain significance. Last evaluated: 2023-02-24. Review status: criteria provided, single submitter. Criteria: Ambry Variant Classification Scheme 2023. Collection method: clinical testing. Allele origin: germline.
Comment: The p.S980L variant (also known as c.2939C>T), located in coding exon 4 of the ALPK2 gene, results from a C to T substitution at nucleotide position 2939. The serine at codon 980 is replaced by leucine, an amino acid with dissimilar properties. This amino acid position is conserved. In addition, this alteration is predicted to be tolerated by in silico analysis. Since supporting evidence is limited at this time, the clinical significance of this alteration remains unclear.

NM_052947.4(ALPK2):c.2939C>T (p.Ser980Leu)

Gene: ALPK2 (alpha kinase 2; minus strand). Cytogenetic location: 18q21.31.
Variant type: single nucleotide variant.
Coding change: c.2939C>T on transcript NM_052947.4 (MANE Select); coding-DNA position 2939, C replaced by T.
Protein change: p.Ser980Leu; replaces serine 980 with leucine.
Molecular consequence: missense variant.
Genome position (GRCh38, 1-based): chr18:58,537,248, G>A on the plus strand (C>T on the coding strand, the complement: ALPK2 is on the minus strand). VCF-style: chr18-58537248-G-A. GRCh37 (hg19) VCF-style: chr18-56204480-G-A.
Other names: short protein forms S980L.
Identifiers: ClinVar variation 2450786 (VCV002450786.2), dbSNP rs750686473, ClinGen allele CA8976985.
Genomic context (GRCh38, chr18:58,537,248, plus strand): 5'-TGAAAGCACTCATTATTAGCAGTTAATGTTGTTGGCTTCTCCCAAGGAAAACTCACAATT[G>A]AACTATAACTGGCTGGTGTGGCTGTGGTGTCTGCGGCACTAGGACTGGGGCTCTTGTCAC-3'
Protein context (NP_443179.3, residues 970-990): DTTATPASYS[Ser980Leu]IVSFPWEKPT